The following is an entry in ClinVar:

NM_000179.3(MSH6):c.3175G>A (p.Val1059Ile)

Gene: MSH6 (mutS homolog 6; plus strand). Cytogenetic location: 2p16.3.
Variant type: single nucleotide variant.
Coding change: c.3175G>A on transcript NM_000179.3 (MANE Select); coding-DNA position 3175, G replaced by A.
Protein change: p.Val1059Ile; replaces valine 1059 with isoleucine.
Molecular consequence: missense variant.
Genome position (GRCh38, 1-based): chr2:47,803,422, G>A. VCF-style: chr2-47803422-G-A. GRCh37 (hg19) VCF-style: chr2-48030561-G-A.
Other names: c.2785G>A, p.Val929Ile (NM_001281492.2); c.2269G>A, p.Val757Ile (NM_001281493.2, NM_001281494.2); short protein forms V1059I, V929I, V757I.
Identifiers: ClinVar variation 455239 (VCV000455239.14), dbSNP rs1249506770, ClinGen allele CA346757816.

ClinVar aggregate classification (germline): Uncertain significance. Review status: criteria provided, multiple submitters, no conflicts (2 of 4 stars). 4 submissions from 4 submitters: Uncertain significance (4). Last evaluated 2025-12-29.

Conditions:
Hereditary nonpolyposis colorectal neoplasms. Identifiers: MedGen C0009405, MeSH D003123.
Hereditary cancer-predisposing syndrome. Also called: Hereditary Cancer Syndrome; Hereditary neoplastic syndrome; Neoplastic Syndromes, Hereditary; Tumor predisposition. Identifiers: Orphanet 140162, MedGen C0027672, MeSH D009386, MONDO:0015356.
Lynch syndrome. Identifiers: Orphanet 144, MedGen C4552100, MONDO:0005835. Disease mechanism: loss of function.

Allele frequency attached by ClinVar (database versions not stated): gnomAD exomes below 0.00001.

Submissions (4):

Center for Genomic Medicine, Rigshospitalet, Copenhagen University Hospital
Classification: Uncertain significance. Last evaluated: 2025-12-29. Review status: criteria provided, single submitter. Criteria: ACMG Guidelines, 2015. Collection method: clinical testing. Allele origin: germline.
Comment: Classification criteria: BP4

Labcorp Genetics (formerly Invitae), Labcorp
Classification: Uncertain significance for Hereditary nonpolyposis colorectal neoplasms. Last evaluated: 2025-07-25. Review status: criteria provided, single submitter. Criteria: Invitae Variant Classification Sherloc (09022015). Collection method: clinical testing. Allele origin: germline.
Comment: This sequence change replaces valine, which is neutral and non-polar, with isoleucine, which is neutral and non-polar, at codon 1059 of the MSH6 protein (p.Val1059Ile). This variant is not present in population databases (gnomAD no frequency). This variant has not been reported in the literature in individuals affected with MSH6-related conditions. ClinVar contains an entry for this variant (Variation ID: 455239). An algorithm developed to predict the effect of missense changes on protein structure and function (PolyPhen-2) suggests that this variant is likely to be disruptive. In summary, the available evidence is currently insufficient to determine the role of this variant in disease. Therefore, it has been classified as a Variant of Uncertain Significance.

Ambry Genetics
Classification: Uncertain significance for Hereditary cancer-predisposing syndrome. Last evaluated: 2024-11-23. Review status: criteria provided, single submitter. Criteria: Ambry Variant Classification Scheme 2023. Collection method: clinical testing. Allele origin: germline.
Comment: The p.V1059I variant (also known as c.3175G>A), located in coding exon 5 of the MSH6 gene, results from a G to A substitution at nucleotide position 3175. The valine at codon 1059 is replaced by isoleucine, an amino acid with highly similar properties. This amino acid position is conserved. In addition, the in silico prediction for this alteration is inconclusive. Based on the available evidence, the clinical significance of this variant remains unclear.

All of Us Research Program, National Institutes of Health
Classification: Uncertain significance for Lynch syndrome. Last evaluated: 2023-09-05. Review status: criteria provided, single submitter. Criteria: ACMG Guidelines, 2015. Collection method: clinical testing. Allele origin: germline. Inheritance: Autosomal dominant inheritance. Observed: 1 variant allele, 1 heterozygote.
Comment: This study involves interpretation of variants in research participants for the purpose of population health screening. Participant phenotype was not available at the time of variant classification. Additional details can be found in publication PMID: 35346344, PMCID: PMC8962531